The following is an entry in ClinVar:

NM_001277115.2(DNAH11):c.2597A>G (p.Lys866Arg)

Gene: DNAH11 (dynein axonemal heavy chain 11; plus strand). Cytogenetic location: 7p15.3.
Variant type: single nucleotide variant.
Coding change: c.2597A>G on transcript NM_001277115.2 (MANE Select); coding-DNA position 2597, A replaced by G.
Protein change: p.Lys866Arg; replaces lysine 866 with arginine.
Molecular consequence: missense variant.
Genome position (GRCh38, 1-based): chr7:21,591,507, A>G. VCF-style: chr7-21591507-A-G. GRCh37 (hg19) VCF-style: chr7-21631125-A-G.
Other names: short protein forms K866R.
Identifiers: ClinVar variation 1520680 (VCV001520680.6), dbSNP rs1429419142, ClinGen allele CA366943037.

ClinVar aggregate classification (germline): Uncertain significance (1 of 4 stars; one submission).

Conditions:
Primary ciliary dyskinesia. Also called: Ciliary dyskinesia. Identifiers: Orphanet 244, MedGen C0008780, MONDO:0016575, HP:0012265.

Allele frequency attached by ClinVar (database versions not stated): gnomAD exomes below 0.00001 and 0.00001.
gnomAD v4.1: 2 of 1,606,924 alleles (0.00012%); highest among the groups gnomAD compares: Admixed American, 0.0034%; no homozygotes.

Submission:

Labcorp Genetics (formerly Invitae), Labcorp
Classification: Uncertain significance for Primary ciliary dyskinesia. Last evaluated: 2021-09-25. Review status: criteria provided, single submitter. Criteria: Invitae Variant Classification Sherloc (09022015). Collection method: clinical testing. Allele origin: germline.
Comment: Advanced modeling of protein sequence and biophysical properties (such as structural, functional, and spatial information, amino acid conservation, physicochemical variation, residue mobility, and thermodynamic stability) performed at Invitae indicates that this missense variant is not expected to disrupt DNAH11 protein function. In summary, the available evidence is currently insufficient to determine the role of this variant in disease. Therefore, it has been classified as a Variant of Uncertain Significance. This variant has not been reported in the literature in individuals affected with DNAH11-related conditions. This variant is not present in population databases (ExAC no frequency). This sequence change replaces lysine with arginine at codon 866 of the DNAH11 protein (p.Lys866Arg). The lysine residue is moderately conserved and there is a small physicochemical difference between lysine and arginine.